The following is an entry in ClinVar:

NM_001999.4(FBN2):c.2902A>G (p.Asn968Asp)

Gene: FBN2 (fibrillin 2; minus strand). Cytogenetic location: 5q23.3.
Variant type: single nucleotide variant.
Coding change: c.2902A>G on transcript NM_001999.4 (MANE Select); coding-DNA position 2902, A replaced by G.
Protein change: p.Asn968Asp; replaces asparagine 968 with aspartic acid.
Molecular consequence: missense variant.
Genome position (GRCh38, 1-based): chr5:128,349,434, T>C on the plus strand (A>G on the coding strand, the complement: FBN2 is on the minus strand). VCF-style: chr5-128349434-T-C. GRCh37 (hg19) VCF-style: chr5-127685126-T-C.
Other names: short protein forms N968D.
Identifiers: ClinVar variation 350783 (VCV000350783.25), dbSNP rs774248421, ClinGen allele CA3395397.

ClinVar aggregate classification (germline): Conflicting classifications of pathogenicity. Review status: criteria provided, conflicting classifications (1 of 4 stars). 6 submissions from 6 submitters: Uncertain significance (3); Likely benign (3). Last evaluated 2025-11-10.

Conditions:
Familial thoracic aortic aneurysm and aortic dissection (TAAD). Also called: Thoracic aortic aneurysms and dissections. Identifiers: Orphanet 91387, MedGen C4707243, MONDO:0019625.
Congenital contractural arachnodactyly (CCA). Also called: BEALS SYNDROME; Beals-Hecht syndrome; Arthrogryposis, distal, type 9. Identifiers: Orphanet 115, MedGen C0220668, MONDO:0007363, OMIM 121050.

Allele frequency attached by ClinVar (database versions not stated): gnomAD 0.00002 and 0.00003; gnomAD exomes 0.00002 and 0.00004; TOPMed 0.00003; ExAC 0.00004.
gnomAD v4.1: 34 of 1,613,942 alleles (0.0021%); highest among the groups gnomAD compares: Admixed American, 0.0017%; no homozygotes.

Submissions (6):

Labcorp Genetics (formerly Invitae), Labcorp
Classification: Likely benign for Congenital contractural arachnodactyly. Last evaluated: 2025-11-10. Review status: criteria provided, single submitter. Criteria: Invitae Variant Classification Sherloc (09022015). Collection method: clinical testing. Allele origin: germline.

GeneDx
Classification: Uncertain significance. Last evaluated: 2024-02-21. Review status: criteria provided, single submitter. Criteria: GeneDx Variant Classification Process June 2021. Collection method: clinical testing. Allele origin: germline. Affected: yes.
Comment: Has not been previously published as pathogenic or benign to our knowledge; In silico analysis supports that this missense variant has a deleterious effect on protein structure/function; This variant is associated with the following publications: (PMID: 17345643, 23148498, 19006240, 18767143)

Blueprint Genetics
Classification: Likely benign. Last evaluated: 2021-12-22. Review status: criteria provided, single submitter. Criteria: ACMG Guidelines, 2015. Collection method: clinical testing. Allele origin: germline.

Ambry Genetics
Classification: Likely benign for Familial thoracic aortic aneurysm and aortic dissection. Last evaluated: 2021-05-26. Review status: criteria provided, single submitter. Criteria: Ambry Variant Classification Scheme 2023. Collection method: clinical testing. Allele origin: germline.

ARUP Laboratories, Molecular Genetics and Genomics, ARUP Laboratories
Classification: Uncertain significance. Last evaluated: 2018-03-04. Review status: criteria provided, single submitter. Criteria: ARUP Molecular Germline Variant Investigation Process. Collection method: clinical testing. Allele origin: germline.
Comment: The FBN2 c.2902A>G; p.Asn968Asp variant (rs774248421; ClinVar variant ID 350783), to our knowledge, is not reported in the medical literature, gene specific variation databases, nor has it been previously identified by our laboratory. This variant is listed in the genome Aggregation Database (gnomAD) with an overall population frequency of 0.004% (identified on 13 out of 277,076 chromosomes) and an Ashkenazi Jewish population frequency of 0.12% (identified on 12 out of 10,150 chromosomes). The asparagine at position 968 is moderately conserved, considering 11 species, and computational analyses of the effects of the p.Asn968Asp variant on protein structure and function do not predict a deleterious effect (SIFT: tolerated, PolyPhen-2: benign). Based on the available information, the clinical significance of the p.Asn968Asp variant cannot be determined with certainty.

Illumina Laboratory Services, Illumina
Classification: Uncertain significance for Congenital contractural arachnodactyly. Last evaluated: 2018-01-12. Review status: criteria provided, single submitter. Criteria: ICSL Variant Classification Criteria 13 December 2019. Collection method: clinical testing. Allele origin: germline.